The following is an entry in ClinVar:

ClinVar aggregate classification (germline): Uncertain significance (1 of 4 stars; one submission).

Submission:

Labcorp Genetics (formerly Invitae), Labcorp
Classification: Uncertain significance. Last evaluated: 2020-03-12. Review status: criteria provided, single submitter. Criteria: Invitae Variant Classification Sherloc (09022015). Collection method: clinical testing. Allele origin: germline.
Comment: This variant is not present in population databases (ExAC no frequency). This sequence change replaces serine with alanine at codon 1160 of the COL2A1 protein (p.Ser1160Ala). The serine residue is highly conserved and there is a moderate physicochemical difference between serine and alanine. This variant has not been reported in the literature in individuals with COL2A1-related conditions. In summary, the available evidence is currently insufficient to determine the role of this variant in disease. Therefore, it has been classified as a Variant of Uncertain Significance. Experimental studies and prediction algorithms are not available or were not evaluated, and the functional significance of this variant is currently unknown.

NM_001844.5(COL2A1):c.3478T>G (p.Ser1160Ala)

Gene: COL2A1 (collagen type II alpha 1 chain; minus strand). Cytogenetic location: 12q13.11.
Variant type: single nucleotide variant.
Coding change: c.3478T>G on transcript NM_001844.5 (MANE Select); coding-DNA position 3478, T replaced by G.
Protein change: p.Ser1160Ala; replaces serine 1160 with alanine.
Molecular consequence: missense variant.
Genome position (GRCh38, 1-based): chr12:47,976,525, A>C on the plus strand (T>G on the coding strand, the complement: COL2A1 is on the minus strand). VCF-style: chr12-47976525-A-C. GRCh37 (hg19) VCF-style: chr12-48370308-A-C.
Other names: c.3271T>G, p.Ser1091Ala (NM_033150.3); short protein forms S1091A, S1160A.
Identifiers: ClinVar variation 1059909 (VCV001059909.9), dbSNP rs2136516677, ClinGen allele CA384537495.